The following is an entry in ClinVar:

ClinVar aggregate classification (germline): Conflicting classifications of pathogenicity. Review status: criteria provided, conflicting classifications (1 of 4 stars). 9 submissions from 9 submitters: Uncertain significance (6); Benign (1). 2 of the submissions do not count toward it. Last evaluated 2026-08-21.

Conditions:
FANCA-related disorder. Also called: FANCA-related condition.
Fanconi anemia (FA). Also called: Fanconi's anemia. Identifiers: Orphanet 84, MedGen C0015625, MeSH D005199, MONDO:0019391.
Fanconi anemia complementation group A (FANCA). Also called: Fanconi anemia, group A; FANCA-Related Fanconi Anemia. Identifiers: Orphanet 84, MedGen C3469521, MONDO:0009215, OMIM 227650.

Allele frequency attached by ClinVar (database versions not stated): gnomAD exomes 0.00002 and 0.00006; TOPMed 0.00005; ExAC 0.00006; gnomAD 0.00006; 1000 Genomes Project 0.00020; 1000 Genomes Project 30x 0.00031.
gnomAD v4.1: 39 of 1,614,234 alleles (0.0024%); highest among the groups gnomAD compares: African/African-American, 0.017%; no homozygotes.

Submissions (9):

Myriad Genetics, Inc.
Classification: Uncertain significance for Fanconi anemia complementation group A. Last evaluated: 2026-08-21. Review status: criteria provided, single submitter. Criteria: Myriad Autosomal Dominant, Autosomal Recessive and X-Linked Classification Criteria (2023). Collection method: clinical testing. Allele origin: unknown.
Comment: NM_000135.2(FANCA):c.4244T>G(F1415C) is a missense variant classified as a variant of uncertain significance in the context of Fanconi anemia complementation group A. F1415C has not been observed in cases with relevant disease. Relevant functional assessments of this variant are not available in the literature. F1415C has been observed in referenced population frequency databases. In summary, there is insufficient evidence to classify NM_000135.2(FANCA):c.4244T>G(F1415C) as pathogenic or benign. Please note: this variant was assessed in the context of healthy population screening.

Labcorp Genetics (formerly Invitae), Labcorp
Classification: Benign for Fanconi anemia. Last evaluated: 2025-07-08. Review status: criteria provided, single submitter. Criteria: Invitae Variant Classification Sherloc (09022015). Collection method: clinical testing. Allele origin: germline.

Quest Diagnostics Nichols Institute San Juan Capistrano
Classification: Uncertain significance. Last evaluated: 2025-05-23. Review status: criteria provided, single submitter. Criteria: Quest Diagnostics criteria. Collection method: clinical testing. Allele origin: unknown.
Comment: The FANCA c.4244T>G (p.Phe1415Cys) variant has been reported in the published literature in individuals with pancreatic cancer (PMID: 39256447 (2024)) and gallbladder carcinoma (PMID: 36072793 (2022)). The frequency of this variant in the general population (Genome Aggregation Database) is uninformative in the assessment of its pathogenicity. Analysis of this variant using bioinformatics tools for the prediction of the effect of amino acid changes on protein structure and function yielded predictions that this variant is benign. Based on the available information, we are unable to determine the clinical significance of this variant.

Fulgent Genetics
Classification: Uncertain significance for Fanconi anemia complementation group A. Last evaluated: 2024-06-13. Review status: criteria provided, single submitter. Criteria: ACMG Guidelines, 2015. Collection method: clinical testing. Allele origin: germline.

Revvity Omics, Revvity
Classification: Uncertain significance for Fanconi anemia complementation group A. Last evaluated: 2023-05-11. Review status: criteria provided, single submitter. Criteria: ACMG Guidelines, 2015. Collection method: clinical testing. Allele origin: germline.

Blueprint Genetics
Classification: Uncertain significance. Last evaluated: 2021-07-05. Review status: criteria provided, single submitter. Criteria: ACMG Guidelines, 2015. Collection method: clinical testing. Allele origin: germline.

Sema4
Classification: Uncertain significance for Fanconi anemia. Last evaluated: 2021-04-11. Review status: criteria provided, single submitter. Criteria: Sema4 Curation Guidelines. Collection method: curation. Allele origin: germline.
Comment: The FANCA c.4244T>G (p.F1415C) variant has not been reported in the literature to our knowledge. It was observed in 16/282882 chromosomes in the large and broad cohorts of the Genome Aggregation Database. The variant has been reported in ClinVar (Variation ID 648627). In silico tools suggest the impact of the variant on protein function is inconclusive, though these predictions have not been confirmed by functional studies. The evidence is insufficient to meet ACMG/AMP criteria for classifying the variant as benign or pathogenic. Thus, the clinical significance of this variant is currently uncertain.

PreventionGenetics, part of Exact Sciences
Classification: Uncertain significance for FANCA-related condition. Last evaluated: 2024-09-05. Review status: no assertion criteria provided. Collection method: clinical testing. Allele origin: germline. Not counted in ClinVar's aggregate classification.
Comment: The FANCA c.4244T>G variant is predicted to result in the amino acid substitution p.Phe1415Cys. To our knowledge, this variant has not been reported in the literature. This variant is reported in 0.024% of alleles in individuals of African descent in gnomAD and interpreted in ClinVar as a variant of uncertain significance. At this time, the clinical significance of this variant is uncertain due to the absence of conclusive functional and genetic evidence.

Natera, Inc.
Classification: Uncertain significance for Fanconi anemia, group A. Last evaluated: 2020-09-16. Review status: no assertion criteria provided. Collection method: clinical testing. Allele origin: germline. Not counted in ClinVar's aggregate classification.

Literature cited by the submitters: PubMed 39256447 (cited by Quest Diagnostics Nichols Institute San Juan Capistrano); PubMed 36072793 (cited by Quest Diagnostics Nichols Institute San Juan Capistrano).

NM_000135.4(FANCA):c.4244T>G (p.Phe1415Cys)

Genes: FANCA (FA complementation group A; minus strand), ZNF276 (zinc finger protein 276; plus strand). Cytogenetic location: 16q24.3.
Variant type: single nucleotide variant.
Coding change: c.4244T>G on transcript NM_000135.4 (MANE Select); coding-DNA position 4244, T replaced by G.
Protein change: p.Phe1415Cys; replaces phenylalanine 1415 with cysteine.
Molecular consequence: missense variant. On other transcripts: synonymous variant (1), 3 prime UTR variant (2), non-coding transcript variant (4).
Genome position (GRCh38, 1-based): chr16:89,738,898, A>C on the plus strand (T>G on the coding strand, the complement: FANCA is on the minus strand). VCF-style: chr16-89738898-A-C. GRCh37 (hg19) VCF-style: chr16-89805306-A-C.
Other names: c.4244T>G (NM_000135.3); c.4248T>G, p.Leu1416= (NM_001286167.3); c.*652A>C (NM_001113525.2, NM_152287.4); short protein forms F1415C.
Identifiers: ClinVar variation 648627 (VCV000648627.23), dbSNP rs201658945, ClinGen allele CA8250674.
Genomic context (GRCh38, chr16:89,738,898, plus strand): 5'-TCTCATGTCCCCCACATGGCCCAAGGTGGGCATCTTGACGTTACCTCTGCCACGTGTGAG[A>C]AGCTCTTTTTCGGGCACCGAGGTATTAACTGCAGCAGAAAAAGACGAGCTTTTGTTATCA-3'
Protein context (NP_000126.2, residues 1405-1425): QLIPRCPKKS[Phe1415Cys]SHVAELLADR